The following is an entry in ClinVar:

NM_017777.4(MKS1):c.262-112C>T

Gene: MKS1 (MKS transition zone complex subunit 1; minus strand). Cytogenetic location: 17q22.
Variant type: single nucleotide variant.
Coding change: c.262-112C>T on transcript NM_017777.4 (MANE Select); 112 bases into the intron before coding-DNA position 262, C replaced by T.
Molecular consequence: intron variant.
Genome position (GRCh38, 1-based): chr17:58,216,355, G>A on the plus strand (C>T on the coding strand, the complement: MKS1 is on the minus strand). VCF-style: chr17-58216355-G-A. GRCh37 (hg19) VCF-style: chr17-56293716-G-A.
Other names: c.-250-112C>T (NM_001321268.2); c.262-112C>T (NM_001330397.2, NM_001321269.2, NM_001411113.1).
Identifiers: ClinVar variation 4985657 (VCV004985657.1).

ClinVar aggregate classification (germline): Likely benign (1 of 4 stars; one submission).

Conditions:
MKS1-related disorder. Also called: MKS1-related disorders; MKS1-related condition. Identifiers: MedGen CN239382.

gnomAD v4.1: 29 of 1,235,242 alleles (0.0023%); highest among the groups gnomAD compares: Non-Finnish European, 0.0033%; no homozygotes.

Submission:

PreventionGenetics, part of Exact Sciences
Classification: Likely benign for MKS1-related condition. Last evaluated: 2025-06-30. Review status: criteria provided, single submitter. Criteria: ACMG Guidelines, 2015. Collection method: clinical testing. Allele origin: germline.
Comment: This variant is classified as likely benign based on ACMG/AMP sequence variant interpretation guidelines (Richards et al. 2015 PMID: 25741868, with internal and published modifications).